The following is an entry in ClinVar:

NM_133433.4(NIPBL):c.7258A>G (p.Thr2420Ala)

Gene: NIPBL (NIPBL cohesin loading factor; plus strand). Cytogenetic location: 5p13.2.
Variant type: single nucleotide variant.
Coding change: c.7258A>G on transcript NM_133433.4 (MANE Select); coding-DNA position 7258, A replaced by G.
Protein change: p.Thr2420Ala; replaces threonine 2420 with alanine.
Molecular consequence: missense variant.
Genome position (GRCh38, 1-based): chr5:37,052,561, A>G. VCF-style: chr5-37052561-A-G. GRCh37 (hg19) VCF-style: chr5-37052663-A-G.
Other names: c.7258A>G, p.Thr2420Ala (NM_001438586.1, NM_015384.5); short protein forms T2420A.
Identifiers: ClinVar variation 4848918 (VCV004848918.1).

ClinVar aggregate classification (germline): Uncertain significance (1 of 4 stars; one submission).

Submission:

Women's Health and Genetics/Laboratory Corporation of America, LabCorp
Classification: Uncertain significance. Last evaluated: 2026-04-03. Review status: criteria provided, single submitter. Criteria: LabCorp Variant Classification Summary - May 2015. Collection method: clinical testing. Allele origin: germline.
Comment: Variant summary: NIPBL c.7258A>G (p.Thr2420Ala) results in a non-conservative amino acid change in the encoded protein sequence. Algorithms developed to predict the effect of missense changes on protein structure and function are either unavailable or do not agree on the potential impact of this missense change. The variant was absent in 251286 control chromosomes. The available data on variant occurrences in the general population are insufficient to allow any conclusion about variant significance. To our knowledge, no occurrence of c.7258A>G in individuals affected with NIPBL-related conditions and no experimental evidence demonstrating its impact on protein function have been reported. No submitters have cited clinical-significance assessments for this variant to ClinVar. Based on the evidence outlined above, the variant was classified as uncertain significance.